The following is an entry in ClinVar:

ClinVar aggregate classification (germline): Likely pathogenic (1 of 4 stars; one submission).

Conditions:
Dilated cardiomyopathy 1G (CMD1G). Identifiers: Orphanet 154, MedGen C1858763, MONDO:0011400, OMIM 604145.
Autosomal recessive limb-girdle muscular dystrophy type 2J (LGMDR10). Also called: Limb-girdle muscular dystrophy, type 2J; MUSCULAR DYSTROPHY, LIMB-GIRDLE, AUTOSOMAL RECESSIVE 10. Identifiers: Orphanet 140922, MedGen C1837342, MONDO:0012127, OMIM 608807.

Submission:

Labcorp Genetics (formerly Invitae), Labcorp
Classification: Likely pathogenic for Dilated cardiomyopathy 1G; Autosomal recessive limb-girdle muscular dystrophy type 2J. Last evaluated: 2024-10-18. Review status: criteria provided, single submitter. Criteria: Invitae Variant Classification Sherloc (09022015). Collection method: clinical testing. Allele origin: germline.
Comment: This sequence change creates a premature translational stop signal (p.Arg1932Glyfs*46) in the TTN gene. While this is not anticipated to result in nonsense mediated decay, it is expected to create a truncated TTN protein. This variant is not present in population databases (gnomAD no frequency). This variant has not been observed in the literature in individuals with autosomal recessive TTN-related conditions. This variant has been reported in individual(s) with clinical features of autosomal dominant dilated cardiomyopathy (internal data); however, the role of the variant in this condition is currently unclear. ClinVar contains an entry for this variant (Variation ID: 2025127). This variant is located in the Z band of TTN (PMID: 25589632). Truncating variants in this region have been reported in individuals affected with autosomal recessive centronuclear myopathy (PMID: 33449170, internal data). Truncating variants in this region have also been identified in individuals affected with autosomal dominant dilated cardiomyopathy and/or cardio-related conditions (PMID: 27869827, 32964742, internal data). In summary, the currently available evidence indicates that the variant is pathogenic, but additional data are needed to prove that conclusively. Therefore, this variant has been classified as Likely Pathogenic.

Literature cited by the submitters: PubMed 25589632; PubMed 33449170; PubMed 27869827; PubMed 32964742.

NM_001267550.2(TTN):c.5793del (p.Arg1932fs)

Gene: TTN (titin; minus strand). Cytogenetic location: 2q31.2.
Variant type: Deletion.
Coding change: c.5793del on transcript NM_001267550.2 (MANE Select); coding-DNA position 5793, one base deleted (G; older notation c.5793delG).
Protein change: p.Arg1932fs; shifts the reading frame from arginine 1932.
Molecular consequence: frameshift variant.
Genome position (GRCh38, 1-based): chr2:178,776,071, C deleted on the plus strand (G on the coding strand, the reverse complement: TTN is on the minus strand). VCF-style (leftmost placement, unchanged base first): chr2-178776070-TC-T. GRCh37 (hg19) VCF-style: chr2-179640797-TC-T.
Other names: c.5793del, p.Arg1932fs (NM_001256850.1, NM_133378.4, NM_133379.5); c.5655del, p.Arg1886fs (NM_003319.4, NM_133432.3, NM_133437.4); short protein forms R1886fs, R1932fs.
Identifiers: ClinVar variation 2025127 (VCV002025127.4), dbSNP rs2532851429, ClinGen allele CA2580065249.